The following is an entry in ClinVar:

NM_207380.3(CCDC9B):c.201C>T (p.Gly67=)

Gene: CCDC9B (coiled-coil domain containing 9B; minus strand). Cytogenetic location: 15q15.1.
Variant type: single nucleotide variant.
Coding change: c.201C>T on transcript NM_207380.3 (MANE Select); coding-DNA position 201, C replaced by T.
Protein change: p.Gly67=; no amino-acid change (glycine 67 retained).
Molecular consequence: synonymous variant.
Genome position (GRCh38, 1-based): chr15:40,339,542, G>A on the plus strand (C>T on the coding strand, the complement: CCDC9B is on the minus strand). VCF-style: chr15-40339542-G-A. GRCh37 (hg19) VCF-style: chr15-40631743-G-A.
Identifiers: ClinVar variation 2645165 (VCV002645165.24), dbSNP rs2542528468, ClinGen allele CA489749882.

ClinVar aggregate classification (germline): Likely benign (1 of 4 stars; one submission).

Submission:

CeGaT Center for Human Genetics Tuebingen
Classification: Likely benign. Last evaluated: 2022-08-01. Review status: criteria provided, single submitter. Criteria: CeGaT Center For Human Genetics Tuebingen Variant Classification Criteria Version 2. Collection method: clinical testing. Allele origin: germline. Affected: yes. Observed: 1 variant allele.
Comment: CCDC9B: PM2:Supporting, BP4, BP7